The following is an entry in ClinVar:

ClinVar aggregate classification (germline): Uncertain significance (0 of 4 stars; one submission).

Allele frequency attached by ClinVar (database versions not stated): gnomAD 0.00001 and below 0.00001; gnomAD exomes 0.00001; TOPMed 0.00001.
gnomAD v4.1: 13 of 1,612,800 alleles (0.00081%); highest among the groups gnomAD compares: South Asian, 0.013%; no homozygotes.

Submission:

Martin Pollak Laboratory,  Beth Israel Deaconess Medical Center
Classification: Uncertain significance. Review status: no assertion criteria provided. Collection method: not provided. Allele origin: unknown.
Comment: Lower and higher UCa2+ groups
ClinVar note: Converted during submission from unknown to Uncertain significance.

NM_022911.3(SLC26A6):c.1902C>T (p.Ser634=)

Gene: SLC26A6 (solute carrier family 26 member 6; minus strand). Cytogenetic location: 3p21.31.
Variant type: single nucleotide variant.
Coding change: c.1902C>T on transcript NM_022911.3 (MANE Select); coding-DNA position 1902, C replaced by T.
Protein change: p.Ser634=; no amino-acid change (serine 634 retained).
Molecular consequence: synonymous variant.
Genome position (GRCh38, 1-based): chr3:48,627,047, G>A on the plus strand (C>T on the coding strand, the complement: SLC26A6 is on the minus strand). VCF-style: chr3-48627047-G-A. GRCh37 (hg19) VCF-style: chr3-48664480-G-A.
Other names: c.1839C>T, p.Ser613= (NM_001040454.1); c.1794C>T, p.Ser598= (NM_001281732.2); c.1578C>T, p.Ser526= (NM_001281733.2); c.1899C>T, p.Ser633= (NM_134263.3); c.1845C>T, p.Ser615= (NM_134426.3).
Identifiers: ClinVar variation 64454 (VCV000064454.2), dbSNP rs387907493, ClinGen allele CA216177.